The following is an entry in ClinVar:

NM_001166108.2(PALLD):c.1105T>G (p.Ser369Ala)

Gene: PALLD (palladin, cytoskeletal associated protein; plus strand). Cytogenetic location: 4q32.3.
Variant type: single nucleotide variant.
Coding change: c.1105T>G on transcript NM_001166108.2 (MANE Select); coding-DNA position 1105, T replaced by G.
Protein change: p.Ser369Ala; replaces serine 369 with alanine.
Molecular consequence: missense variant. On other transcripts: 5 prime UTR variant (1).
Genome position (GRCh38, 1-based): chr4:168,681,349, T>G. VCF-style: chr4-168681349-T-G. GRCh37 (hg19) VCF-style: chr4-169602500-T-G.
Other names: c.-42T>G (NM_001166109.2); c.1105T>G, p.Ser369Ala (NM_016081.4); short protein forms S369A.
Identifiers: ClinVar variation 1793653 (VCV001793653.3), dbSNP rs960155075, ClinGen allele CA110494124.

ClinVar aggregate classification (germline): Uncertain significance (1 of 4 stars; one submission).

gnomAD v4.1: 12 of 1,607,046 alleles (0.00075%); highest among the groups gnomAD compares: Non-Finnish European, 0.00094%; no homozygotes.

Submission:

Ambry Genetics
Classification: Uncertain significance. Last evaluated: 2024-10-11. Review status: criteria provided, single submitter. Criteria: Ambry Variant Classification Scheme 2023. Collection method: clinical testing. Allele origin: germline.
Comment: The p.S369A variant (also known as c.1105T>G), located in coding exon 3 of the PALLD gene, results from a T to G substitution at nucleotide position 1105. The serine at codon 369 is replaced by alanine, an amino acid with similar properties. This amino acid position is conserved. In addition, the in silico prediction for this alteration is inconclusive. Since supporting evidence is limited at this time, the clinical significance of this alteration remains unclear.